The following is an entry in ClinVar:

ClinVar aggregate classification (germline): Uncertain significance. Review status: criteria provided, multiple submitters, no conflicts (2 of 4 stars). 2 submissions from 2 submitters: Uncertain significance (2). Last evaluated 2021-11-08.

Allele frequency attached by ClinVar (database versions not stated): ExAC 0.00002; gnomAD exomes 0.00004; TOPMed 0.00004.
gnomAD v4.1: 27 of 1,613,962 alleles (0.0017%); highest among the groups gnomAD compares: Admixed American, 0.018%; no homozygotes.

Submissions (2):

Labcorp Genetics (formerly Invitae), Labcorp
Classification: Uncertain significance. Last evaluated: 2021-11-08. Review status: criteria provided, single submitter. Criteria: Invitae Variant Classification Sherloc (09022015). Collection method: clinical testing. Allele origin: germline.
Comment: This sequence change replaces aspartic acid, which is acidic and polar, with asparagine, which is neutral and polar, at codon 64 of the RASGRP1 protein (p.Asp64Asn). This variant is present in population databases (rs768175330, gnomAD 0.02%). This variant has not been reported in the literature in individuals affected with RASGRP1-related conditions. Algorithms developed to predict the effect of missense changes on protein structure and function are either unavailable or do not agree on the potential impact of this missense change (SIFT: "Deleterious"; PolyPhen-2: "Benign"; Align-GVGD: "Class C0"). In summary, the available evidence is currently insufficient to determine the role of this variant in disease. Therefore, it has been classified as a Variant of Uncertain Significance.

Blueprint Genetics
Classification: Uncertain significance. Last evaluated: 2021-06-26. Review status: criteria provided, single submitter. Criteria: ACMG Guidelines, 2015. Collection method: clinical testing. Allele origin: germline.

NM_005739.4(RASGRP1):c.190G>A (p.Asp64Asn)

Gene: RASGRP1 (RAS guanyl releasing protein 1; minus strand). Cytogenetic location: 15q14.
Variant type: single nucleotide variant.
Coding change: c.190G>A on transcript NM_005739.4 (MANE Select); coding-DNA position 190, G replaced by A.
Protein change: p.Asp64Asn; replaces aspartic acid 64 with asparagine.
Molecular consequence: missense variant.
Genome position (GRCh38, 1-based): chr15:38,559,851, C>T on the plus strand (G>A on the coding strand, the complement: RASGRP1 is on the minus strand). VCF-style: chr15-38559851-C-T. GRCh37 (hg19) VCF-style: chr15-38852052-C-T.
Other names: c.190G>A, p.Asp64Asn (NM_001128602.2, NM_001306086.2); short protein forms D64N.
Identifiers: ClinVar variation 1426330 (VCV001426330.4), dbSNP rs768175330, ClinGen allele CA7471187.